The following is an entry in ClinVar:

ClinVar aggregate classification (germline): Uncertain significance. Review status: criteria provided, single submitter (1 of 4 stars). 2 submissions from 2 submitters: Uncertain significance (1). 1 of the submissions does not count toward it. Last evaluated 2025-10-02.

Conditions:
Congenital disorder of glycosylation, type Ii. Also called: ALG2-CDG; CDG Ii; ALG2-congenital disorder of glycosylation. Identifiers: Orphanet 79326, MedGen C1842836, MONDO:0011933, OMIM 607906.
Congenital myasthenic syndrome 14. Also called: Myasthenic syndrome, congenital, 14, with tubular aggregates. Identifiers: Orphanet 353327, Orphanet 590, MedGen C4015597, MONDO:0014543, OMIM 616228.

Submissions (2):

Labcorp Genetics (formerly Invitae), Labcorp
Classification: Uncertain significance for Congenital disorder of glycosylation, type Ii; Congenital myasthenic syndrome 14. Last evaluated: 2025-10-02. Review status: criteria provided, single submitter. Criteria: Invitae Variant Classification Sherloc (09022015). Collection method: clinical testing. Allele origin: germline.
Comment: This sequence change creates a premature translational stop signal (p.Glu30Glyfs*8) in the ALG2 gene. It is expected to result in an absent or disrupted protein product. However, the current clinical and genetic evidence is not sufficient to establish whether loss-of-function variants in ALG2 cause disease. This variant is present in population databases (rs775204090, gnomAD 0.007%). This variant has not been reported in the literature in individuals affected with ALG2-related conditions. ClinVar contains an entry for this variant (Variation ID: 1035954). In summary, the available evidence is currently insufficient to determine the role of this variant in disease. Therefore, it has been classified as a Variant of Uncertain Significance.

Genomics England Pilot Project, Genomics England
Classification: Likely pathogenic for Congenital disorder of glycosylation, type Ii. Review status: no assertion criteria provided. Criteria: ACGS Guidelines, 2016. Collection method: clinical testing. Allele origin: germline. Affected: yes. Not counted in ClinVar's aggregate classification.

NM_033087.4(ALG2):c.89_114del (p.Glu30fs)

Gene: ALG2 (ALG2 alpha-1,3/1,6-mannosyltransferase; minus strand). Cytogenetic location: 9q22.33.
Variant type: Deletion.
Coding change: c.89_114del on transcript NM_033087.4 (MANE Select); coding-DNA positions 89 to 114, 26 bases deleted (AGCGGCTGGTGTTGGACGCGGCGCTG).
Protein change: p.Glu30fs; shifts the reading frame from glutamic acid 30.
Molecular consequence: frameshift variant. On other transcripts: non-coding transcript variant (1).
Genome position (GRCh38, 1-based): chr9:99,221,781-99,221,806, CAGCGCCGCGTCCAACACCAGCCGCT deleted on the plus strand (AGCGGCTGGTGTTGGACGCGGCGCTG on the coding strand, the reverse complement: ALG2 is on the minus strand); deleting any 26 consecutive bases within chr9:99,221,781-99,221,815 gives the same sequence; the c. name uses the placement nearest the transcript's 3' end. VCF-style (leftmost placement, unchanged base first): chr9-99221780-CCAGCGCCGCGTCCAACACCAGCCGCT-C. GRCh37 (hg19) VCF-style: chr9-101984062-CCAGCGCCGCGTCCAACACCAGCCGCT-C.
Other names: short protein forms E30fs.
Identifiers: ClinVar variation 1035954 (VCV001035954.7), dbSNP rs775204090, ClinGen allele CA5156482.